The following is an entry in ClinVar:

NM_000133.4(F9):c.839-20dup

Gene: F9 (coagulation factor IX; plus strand). Cytogenetic location: Xq27.1.
Variant type: Duplication.
Coding change: c.839-20dup on transcript NM_000133.4 (MANE Select); 20 bases into the intron before coding-DNA position 839, one base duplicated (A; older notation c.839-20dupA).
Molecular consequence: intron variant.
Genome position (GRCh38, 1-based): chrX:139,561,504, A duplicated; the last of 4 consecutive A bases (chrX:139,561,501-139,561,504); duplicating any one gives the same sequence. VCF-style (leftmost placement, unchanged base first): chrX-139561500-T-TA. GRCh37 (hg19) VCF-style: chrX-138643659-T-TA.
Other names: p.?; c.839-20dupA (NM_000133.3, NM_000133.4); c.725-20dup (NM_001313913.2).
Identifiers: ClinVar variation 255227 (VCV000255227.4), dbSNP rs773613916, ClinGen allele CA10529847.
Genomic context (GRCh38, chrX:139,561,500, plus strand): 5'-GGTCAGTGGTCCCAAGTAGTCACTTAGAAAATCTGTGTATGTGAAATACTGTTTGTGACT[T>TA]AAAATGAAATTTATTTTTAATAGGTGAACATAATATTGAGGAGACAGAACATACAGAGCA-3'

ClinVar aggregate classification (germline): Benign. Review status: criteria provided, multiple submitters, no conflicts (2 of 4 stars). 3 submissions from 3 submitters: Benign (3). Last evaluated 2025-11-14.

Submissions (3):

Women's Health and Genetics/Laboratory Corporation of America, LabCorp
Classification: Benign. Last evaluated: 2025-11-14. Review status: criteria provided, single submitter. Criteria: LabCorp Variant Classification Summary - May 2015. Collection method: clinical testing. Allele origin: germline.

Mayo Clinic Laboratories, Mayo Clinic
Classification: Benign. Last evaluated: 2023-07-20. Review status: criteria provided, single submitter. Criteria: ACMG Guidelines, 2015. Collection method: clinical testing. Allele origin: germline. Observed: 3 variant alleles.
Comment: BS1, BS2, BP4, BP7

PreventionGenetics, part of Exact Sciences
Classification: Benign. Review status: criteria provided, single submitter. Criteria: ACMG Guidelines, 2015. Collection method: clinical testing. Allele origin: germline.